The following is an entry in ClinVar:

NC_000009.12:g.35657820G>A

Gene: RMRP (RNA component of mitochondrial RNA processing endoribonuclease; minus strand). Cytogenetic location: 9p13.3.
Variant type: single nucleotide variant.
Genome position: GRCh38 VCF-style: chr9-35657820-G-A. GRCh37 (hg19) VCF-style: chr9-35657817-G-A.
Identifiers: ClinVar variation 2054069 (VCV002054069.2), dbSNP rs527471640, ClinGen allele CA192745570.
Genomic context (GRCh38, chr9:35,657,820, plus strand): 5'-CTGAGAATGAGCCCCGTGTGGTTGGTGCGCGGACACGCACTGCCTGCGTAACTAGAGGGA[G>A]CTGACGGATGACGCCCCCGCGCCACGCCGCTCAGCGGGATACGCTTCTTGGCGGACTTTG-3'

ClinVar aggregate classification (germline): Uncertain significance (1 of 4 stars; one submission).

Conditions:
Anauxetic dysplasia. Identifiers: Orphanet 93347, MedGen C1846796, MONDO:0011773.

Allele frequency attached by ClinVar (database versions not stated): gnomAD exomes 0.00003; gnomAD 0.00004; TOPMed 0.00007.
gnomAD v4.1: 23 of 692,802 alleles (0.0033%); highest among the groups gnomAD compares: Non-Finnish European, 0.0052%; no homozygotes.

Submission:

Labcorp Genetics (formerly Invitae), Labcorp
Classification: Uncertain significance for Anauxetic dysplasia. Last evaluated: 2024-01-06. Review status: criteria provided, single submitter. Criteria: Invitae Variant Classification Sherloc (09022015). Collection method: clinical testing. Allele origin: germline.
Comment: This variant occurs in the RMRP gene, which encodes an RNA molecule that does not result in a protein product. This variant is present in population databases (rs527471640, gnomAD 0.005%). This variant has not been reported in the literature in individuals affected with RMRP-related conditions. ClinVar contains an entry for this variant (Variation ID: 2054069). Experimental studies and prediction algorithms are not available or were not evaluated, and the functional significance of this variant is currently unknown. In summary, the available evidence is currently insufficient to determine the role of this variant in disease. Therefore, it has been classified as a Variant of Uncertain Significance.